The following is an entry in ClinVar:

NM_001376.5(DYNC1H1):c.345-10T>G

Gene: DYNC1H1 (dynein cytoplasmic 1 heavy chain 1; plus strand). Cytogenetic location: 14q32.31.
Variant type: single nucleotide variant.
Coding change: c.345-10T>G on transcript NM_001376.5 (MANE Select); 10 bases into the intron before coding-DNA position 345, T replaced by G.
Molecular consequence: intron variant.
Genome position (GRCh38, 1-based): chr14:101,979,309, T>G. VCF-style: chr14-101979309-T-G. GRCh37 (hg19) VCF-style: chr14-102445646-T-G.
Other names: p.?.
Identifiers: ClinVar variation 312617 (VCV000312617.48), dbSNP rs202110844, ClinGen allele CA7351511.

ClinVar aggregate classification (germline): Benign/Likely benign. Review status: criteria provided, multiple submitters, no conflicts (2 of 4 stars). 11 submissions from 10 submitters: Benign (2); Likely benign (6). 3 of the submissions do not count toward it. Last evaluated 2026-07-01.

Conditions:
Autosomal dominant cerebellar ataxia. Also called: Spinocerebellar Ataxia, Dominant. Identifiers: Orphanet 99, MedGen C4087347, MONDO:0020380.
Charcot-Marie-Tooth disease. Also called: Charcot-Marie-Tooth Neuropathy; Charcot-Marie-Tooth Hereditary Neuropathy. Identifiers: Orphanet 166, MedGen C0007959, MONDO:0015626.
Charcot-Marie-Tooth disease axonal type 2O. Also called: Charcot-Marie-Tooth Neuropathy Type 2O; Charcot-Marie-Tooth disease, axonal, type 20; CHARCOT-MARIE-TOOTH NEUROPATHY, AXONAL, TYPE 2O; CHARCOT-MARIE-TOOTH DISEASE, AXONAL, AUTOSOMAL DOMINANT, TYPE 2O. Identifiers: Orphanet 284232, MedGen C3280220, MONDO:0013644, OMIM 614228.

Allele frequency attached by ClinVar (database versions not stated): gnomAD 0.00048 and 0.00053; ESP Exome Variant Server 0.00054; TOPMed 0.00060; gnomAD exomes 0.00061 and 0.00094; ExAC 0.00071.
gnomAD v4.1: 1,434 of 1,613,838 alleles (0.089%); highest among the groups gnomAD compares: Non-Finnish European, 0.11%; 1 homozygote.

Submissions (12):

CeGaT Center for Human Genetics Tuebingen
Classification: Likely benign. Last evaluated: 2026-07-01. Review status: criteria provided, single submitter. Criteria: CeGaT Center For Human Genetics Tuebingen Variant Classification Criteria Version 2. Collection method: clinical testing. Allele origin: germline. Affected: yes. Observed: 4 variant alleles.
Comment: DYNC1H1: BS1

Labcorp Genetics (formerly Invitae), Labcorp
Classification: Benign for Charcot-Marie-Tooth disease axonal type 2O. Last evaluated: 2026-01-15. Review status: criteria provided, single submitter. Criteria: Invitae Variant Classification Sherloc (09022015). Collection method: clinical testing. Allele origin: germline.

Mayo Clinic Laboratories, Mayo Clinic
Classification: Likely benign. Last evaluated: 2025-09-24. Review status: criteria provided, single submitter. Criteria: ACMG Guidelines, 2015. Collection method: clinical testing. Allele origin: germline. Observed: 7 variant alleles.
Comment: BS1, BP4, BP7

Blueprint Genetics
Classification: Likely benign. Last evaluated: 2024-11-23. Review status: criteria provided, single submitter. Criteria: ACMG Guidelines, 2015. Collection method: clinical testing. Allele origin: germline.

GeneDx
Classification: Benign. Last evaluated: 2018-12-21. Review status: criteria provided, single submitter. Criteria: GeneDx Variant Classification Process June 2021. Collection method: clinical testing. Allele origin: germline. Affected: yes.

Illumina Laboratory Services, Illumina
Classification: Likely benign for Charcot-Marie-Tooth disease axonal type 2O. Last evaluated: 2018-01-13. Review status: criteria provided, single submitter. Criteria: ICSL Variant Classification Criteria 13 December 2019. Collection method: clinical testing. Allele origin: germline.
Comment: This variant was observed in the ICSL laboratory as part of a predisposition screen in an ostensibly healthy population. It had not been previously curated by ICSL or reported in the Human Gene Mutation Database (HGMD: prior to June 1st, 2018), and was therefore a candidate for classification through an automated scoring system. Utilizing variant allele frequency, disease prevalence and penetrance estimates, and inheritance mode, an automated score was calculated to assess if this variant is too frequent to cause the disease. Based on the score and internal cut-off values, a variant classified as likely benign is not then subjected to further curation. The score for this variant resulted in a classification of likely benign for this disease.

Illumina Laboratory Services, Illumina
Classification: Likely benign for Spinocerebellar Ataxia, Dominant. Last evaluated: 2018-01-13. Review status: criteria provided, single submitter. Criteria: ICSL Variant Classification Criteria 13 December 2019. Collection method: clinical testing. Allele origin: germline.
Comment: the same text as in the submission from Illumina Laboratory Services, Illumina above.

Molecular Genetics Laboratory, London Health Sciences Centre
Classification: Likely benign for Charcot-Marie-Tooth disease. Review status: criteria provided, single submitter. Criteria: ACMG Guidelines, 2015. Collection method: clinical testing. Allele origin: germline. Affected: yes.

Clinical Genetics DNA and cytogenetics Diagnostics Lab, Erasmus MC, Erasmus Medical Center
Classification: Likely benign. Review status: no assertion criteria provided. Collection method: clinical testing. Allele origin: germline. Affected: yes. Study: VKGL Data-share Consensus. Not counted in ClinVar's aggregate classification.

Clinical Genetics, Academic Medical Center
Classification: Likely benign. Review status: no assertion criteria provided. Collection method: clinical testing. Allele origin: germline. Affected: yes. Study: VKGL Data-share Consensus. Not counted in ClinVar's aggregate classification.

Dr. Peter K. Rogan Lab, Western University
No classification provided (evidence only). Condition: Acute myeloid leukemia. Review status: no classification provided. Collection method: in vitro. Allele origin: not applicable. Functional consequence: retained intron. Not counted in ClinVar's aggregate classification.

Genome Diagnostics Laboratory, University Medical Center Utrecht
Classification: Likely benign. Review status: no assertion criteria provided. Collection method: clinical testing. Allele origin: germline. Affected: yes. Study: VKGL Data-share Consensus. Not counted in ClinVar's aggregate classification.